The following is an entry in ClinVar:

NM_007294.4(BRCA1):c.4225C>T (p.Gln1409Ter)

Gene: BRCA1 (BRCA1 DNA repair associated; minus strand). Cytogenetic location: 17q21.31.
Variant type: single nucleotide variant.
Coding change: c.4225C>T on transcript NM_007294.4 (MANE Select); coding-DNA position 4225, C replaced by T.
Protein change: p.Gln1409Ter; replaces glutamine 1409 with a stop codon.
Molecular consequence: nonsense. On other transcripts: non-coding transcript variant (1).
Genome position (GRCh38, 1-based): chr17:43,082,536, G>A on the plus strand (C>T on the coding strand, the complement: BRCA1 is on the minus strand). VCF-style: chr17-43082536-G-A. GRCh37 (hg19) VCF-style: chr17-41234553-G-A.
Other names: 4344C>T; c.4012C>T, p.Gln1338Ter (NM_001407571.1, NM_001407907.1, NM_001407908.1 and 12 more transcripts); c.4225C>T, p.Gln1409Ter (NM_001407581.1, NM_001407582.1, NM_001407583.1 and 23 more transcripts); c.4222C>T, p.Gln1408Ter (NM_001407587.1, NM_001407610.1, NM_001407611.1 and 21 more transcripts); c.4219C>T, p.Gln1407Ter (NM_001407629.1, NM_001407630.1, NM_001407631.1 and 5 more transcripts); c.4099C>T, p.Gln1367Ter (NM_001407649.1, NM_001407670.1, NM_001407671.1 and 12 more transcripts); c.4147C>T, p.Gln1383Ter (NM_001407653.1, NM_001407654.1, NM_001407655.1 and 2 more transcripts); c.4144C>T, p.Gln1382Ter (NM_001407656.1, NM_001407661.1, NM_001407662.1 and 1 more transcripts); and 52 more; short protein forms Q1409*, Q1362*, Q306*, Q1298*, Q1320*, Q1339*, Q1367*, Q138*.
Identifiers: ClinVar variation 266461 (VCV000266461.24), dbSNP rs886040218, ClinGen allele CA10589677.

ClinVar aggregate classification (germline): Pathogenic. Review status: reviewed by expert panel (3 of 4 stars). 9 submissions from 9 submitters: Pathogenic (1). 8 of the submissions do not count toward it. Last evaluated 2016-10-18.

Conditions:
Breast-ovarian cancer, familial, susceptibility to, 1 (BROVCA1). Also called: BRCA1 Hereditary Breast and Ovarian Cancer; OVARIAN CANCER, SUSCEPTIBILITY TO. Identifiers: Orphanet 145, MedGen C2676676, MONDO:0011450, OMIM 604370. Disease mechanism: loss of function.
Fanconi anemia, complementation group S (FANCS). Identifiers: MedGen C4554406, MONDO:0054748, OMIM 617883.
Familial cancer of breast. Also called: BREAST CANCER, FAMILIAL; hereditary breast carcinoma; Hereditary breast cancer. Identifiers: Orphanet 227535, MedGen C0346153, MONDO:0016419, OMIM 114480. Disease mechanism: loss of function.
Hereditary cancer-predisposing syndrome. Also called: Hereditary Cancer Syndrome; Neoplastic Syndromes, Hereditary; Hereditary neoplastic syndrome; Tumor predisposition. Identifiers: Orphanet 140162, MedGen C0027672, MeSH D009386, MONDO:0015356.
Hereditary breast ovarian cancer syndrome. Also called: Hereditary breast and ovarian cancer syndrome (HBOC); Breast and ovarian cancer; Hereditary breast and ovarian cancer syndrome; Hereditary breast and ovarian cancer; BRCA1- and BRCA2-Associated Hereditary Breast and Ovarian Cancer; Hereditary breast and/or ovarian cancer syndrome. Identifiers: Orphanet 145, MedGen C0677776, MeSH D061325, MONDO:0003582. Disease mechanism: loss of function.

Submissions (9):

Evidence-based Network for the Interpretation of Germline Mutant Alleles (ENIGMA)
Classification: Pathogenic for Breast-ovarian cancer, familial, susceptibility to, 1. Last evaluated: 2016-10-18. Review status: reviewed by expert panel. Criteria: ENIGMA BRCA1/2 Classification Criteria (2015). Collection method: curation. Allele origin: germline.
Comment: Variant allele predicted to encode a truncated non-functional protein.

Institute of Human Genetics, University of Leipzig Medical Center
Classification: Pathogenic for Breast-ovarian cancer, familial, susceptibility to, 1. Last evaluated: 2025-09-08. Review status: criteria provided, single submitter. Criteria: ACMG Guidelines, 2015. Collection method: clinical testing. Allele origin: unknown. Inheritance: Autosomal dominant inheritance. Affected: yes. Not counted in ClinVar's aggregate classification.
Comment: Criteria applied: PVS1,PM5_STR,PM2_SUP

Ambry Genetics
Classification: Pathogenic for Hereditary cancer-predisposing syndrome. Last evaluated: 2025-01-02. Review status: criteria provided, single submitter. Criteria: Ambry Variant Classification Scheme 2023. Collection method: clinical testing. Allele origin: germline. Not counted in ClinVar's aggregate classification.
Comment: The p.Q1409* pathogenic mutation (also known as c.4225C>T), located in coding exon 11 of the BRCA1 gene, results from a C to T substitution at nucleotide position 4225. This changes the amino acid from a glutamine to a stop codon within coding exon 11. This alteration was identified in a large, worldwide study of BRCA1/2 mutation positive families (Rebbeck TR et al. Hum Mutat, 2018 05;39:593-620). This variant is considered to be rare based on population cohorts in the Genome Aggregation Database (gnomAD). In addition to the clinical data presented in the literature, this alteration is expected to result in loss of function by premature protein truncation or nonsense-mediated mRNA decay. As such, this alteration is interpreted as a disease-causing mutation.

GeneDx
Classification: Pathogenic. Last evaluated: 2024-06-30. Review status: criteria provided, single submitter. Criteria: GeneDx Variant Classification Process June 2021. Collection method: clinical testing. Allele origin: germline. Affected: yes. Not counted in ClinVar's aggregate classification.
Comment: Nonsense variant predicted to result in protein truncation or nonsense mediated decay in a gene for which loss of function is a known mechanism of disease; Not observed at significant frequency in large population cohorts (gnomAD); Truncating variants in this gene are considered pathogenic by a well-established clinical consortium and/or database; Also known as 4344C>T; This variant is associated with the following publications: (PMID: 20104584, 29446198, 31209999)

Labcorp Genetics (formerly Invitae), Labcorp
Classification: Pathogenic for Hereditary breast ovarian cancer syndrome. Last evaluated: 2024-05-02. Review status: criteria provided, single submitter. Criteria: Invitae Variant Classification Sherloc (09022015). Collection method: clinical testing. Allele origin: germline. Not counted in ClinVar's aggregate classification.
Comment: This sequence change creates a premature translational stop signal (p.Gln1409*) in the BRCA1 gene. It is expected to result in an absent or disrupted protein product. Loss-of-function variants in BRCA1 are known to be pathogenic (PMID: 20104584). This variant is not present in population databases (gnomAD no frequency). This variant has not been reported in the literature in individuals affected with BRCA1-related conditions. ClinVar contains an entry for this variant (Variation ID: 266461). For these reasons, this variant has been classified as Pathogenic.

Department of Pathology and Laboratory Medicine, Sinai Health System
Classification: Pathogenic for Familial cancer of breast; Breast-ovarian cancer, familial, susceptibility to, 1; Fanconi anemia, complementation group S. Last evaluated: 2020-10-13. Review status: criteria provided, single submitter. Criteria: ACMG Guidelines, 2015. Collection method: clinical testing. Allele origin: germline. Affected: yes. Not counted in ClinVar's aggregate classification.

Color Diagnostics, LLC DBA Color Health
Classification: Pathogenic for Hereditary cancer-predisposing syndrome. Last evaluated: 2020-01-15. Review status: criteria provided, single submitter. Criteria: ACMG Guidelines, 2015. Collection method: clinical testing. Allele origin: germline. Not counted in ClinVar's aggregate classification.
Comment: This variant changes 1 nucleotide in exon 12 of the BRCA1 gene, creating a premature translation stop signal. This variant is expected to result in an absent or non-functional protein product. This variant has not been identified in the general population by the Genome Aggregation Database (gnomAD). Loss of BRCA1 function is a known mechanism of disease. Based on the available evidence, this variant is classified as Pathogenic.

Quest Diagnostics Nichols Institute San Juan Capistrano
Classification: Pathogenic. Last evaluated: 2017-12-15. Review status: criteria provided, single submitter. Criteria: Quest Diagnostics criteria. Collection method: clinical testing. Allele origin: germline. Not counted in ClinVar's aggregate classification.

Consortium of Investigators of Modifiers of BRCA1/2 (CIMBA), c/o University of Cambridge
Classification: Pathogenic for Breast-ovarian cancer, familial, susceptibility to, 1. Last evaluated: 2015-10-02. Review status: criteria provided, single submitter. Criteria: CIMBA Mutation Classification guidelines May 2016. Collection method: clinical testing. Allele origin: germline. Not counted in ClinVar's aggregate classification.

Literature cited by the submitters: PubMed 29446198 (cited by Ambry Genetics and Department of Pathology and Laboratory Medicine, Sinai Health System); PubMed 20104584 (cited by Labcorp Genetics (formerly Invitae), Labcorp).